The following is an entry in ClinVar:

NM_000102.4(CYP17A1):c.1346G>A (p.Arg449His)

Gene: CYP17A1 (cytochrome P450 family 17 subfamily A member 1; minus strand). Cytogenetic location: 10q24.32.
Variant type: single nucleotide variant.
Coding change: c.1346G>A on transcript NM_000102.4 (MANE Select); coding-DNA position 1346, G replaced by A.
Protein change: p.Arg449His; replaces arginine 449 with histidine.
Molecular consequence: missense variant.
Genome position (GRCh38, 1-based): chr10:102,830,883, C>T on the plus strand (G>A on the coding strand, the complement: CYP17A1 is on the minus strand). VCF-style: chr10-102830883-C-T. GRCh37 (hg19) VCF-style: chr10-104590640-C-T.
Other names: c.1346G>A (NM_000102.3); short protein forms R449H.
Identifiers: ClinVar variation 1989568 (VCV001989568.8), dbSNP rs752164207, ClinGen allele CA5669338.

ClinVar aggregate classification (germline): Likely pathogenic. Review status: criteria provided, multiple submitters, no conflicts (2 of 4 stars). 3 submissions from 3 submitters: Likely pathogenic (3). Last evaluated 2026-08-25.

Conditions:
CYP17A1-related disorder. Also called: CYP17A1-related condition.
Deficiency of steroid 17-alpha-monooxygenase. Also called: 17-ALPHA-HYDROXYLASE DEFICIENCY; ADRENAL HYPERPLASIA V; Congenital adrenal hyperplasia due to 17-alpha-hydroxylase deficiency; Congenital adrenal hyperplasia type 5; 17-alpha-hydroxylase/17,20-lyase deficiency. Identifiers: Orphanet 90793, MedGen C0268285, MONDO:0008730, OMIM 202110.

Allele frequency attached by ClinVar (database versions not stated): gnomAD exomes below 0.00001; gnomAD 0.00001; TOPMed 0.00001.
gnomAD v4.1: 7 of 1,583,944 alleles (0.00044%); highest among the groups gnomAD compares: African/African-American, 0.0027%; no homozygotes.

Submissions (3):

PreventionGenetics, part of Exact Sciences
Classification: Likely pathogenic for CYP17A1-related condition. Last evaluated: 2026-08-25. Review status: criteria provided, single submitter. Criteria: ACMG Guidelines, 2015. Collection method: clinical testing. Allele origin: germline.
Comment: The CYP17A1 c.1346G>A variant is predicted to result in the amino acid substitution p.Arg449His. This variant was reported in individuals with 17-alpha-hydroxylase/17,20-lyase deficiency, partial (Xia et al. 2021. PubMed ID: 34097983; Yin et al. 2022. PubMed ID: 35810428; Pan et al. 2023. PubMed ID: 37316894; Tian et al. 2011. PubMed ID: 21846181; Sarathi et al. 2018. PubMed ID: 30002216). This variant is reported in 0.0046% of alleles in individuals of European (Finnish) descent in gnomAD. This variant is interpreted as likely pathogenic.

Natera, Inc.
Classification: Likely pathogenic for Deficiency of steroid 17-alpha-monooxygenase. Last evaluated: 2025-05-27. Review status: criteria provided, single submitter. Criteria: Natera Variant Classification Schema (03/2026). Collection method: clinical testing. Allele origin: germline.
Comment: The c.1346G>A variant in CYP17A1 is a missense variant predicted to cause substitution of arginine to histidine at amino acid 449. This variant is rare in the general population with a frequency below the threshold expected for the associated phenotype(s). This variant has been observed in one or more individuals affected with the associated recessive disease, as either homozygous or compound heterozygous with a second variant (PMID: 37316894). A different variant at the same position has been determined to be Pathogenic or Likely Pathogenic. Computational prediction algorithms indicate this variant is likely to affect gene or protein function. Given the available evidence, this variant is classified as Likely Pathogenic.

Labcorp Genetics (formerly Invitae), Labcorp
Classification: Likely pathogenic. Last evaluated: 2024-01-11. Review status: criteria provided, single submitter. Criteria: Invitae Variant Classification Sherloc (09022015). Collection method: clinical testing. Allele origin: germline.
Comment: This sequence change replaces arginine, which is basic and polar, with histidine, which is basic and polar, at codon 449 of the CYP17A1 protein (p.Arg449His). The frequency data for this variant in the population databases is considered unreliable, as metrics indicate poor data quality at this position in the gnomAD database. This missense change has been observed in individual(s) with clinical features of partial 17-alpha-hydroxylase deficiency (PMID: 34097983, 35810428). In at least one individual the data is consistent with being in trans (on the opposite chromosome) from a pathogenic variant. ClinVar contains an entry for this variant (Variation ID: 1989568). An algorithm developed to predict the effect of missense changes on protein structure and function (PolyPhen-2) suggests that this variant is likely to be disruptive. This variant disrupts the p.Arg449 amino acid residue in CYP17A1. Other variant(s) that disrupt this residue have been determined to be pathogenic (PMID: 21846181, 30002216). This suggests that this residue is clinically significant, and that variants that disrupt this residue are likely to be disease-causing. In summary, the currently available evidence indicates that the variant is pathogenic, but additional data are needed to prove that conclusively. Therefore, this variant has been classified as Likely Pathogenic.

Literature cited by the submitters: PubMed 37316894 (cited by Natera, Inc.); PubMed 34097983 (cited by Labcorp Genetics (formerly Invitae), Labcorp); PubMed 35810428 (cited by Labcorp Genetics (formerly Invitae), Labcorp); PubMed 21846181 (cited by Labcorp Genetics (formerly Invitae), Labcorp); PubMed 30002216 (cited by Labcorp Genetics (formerly Invitae), Labcorp).